The following is an entry in ClinVar:

NM_001013839.4(EXOC7):c.127-5C>T

Gene: EXOC7 (exocyst complex component 7; minus strand). Cytogenetic location: 17q25.1.
Variant type: single nucleotide variant.
Coding change: c.127-5C>T on transcript NM_001013839.4 (MANE Select); 5 bases into the intron before coding-DNA position 127, C replaced by T.
Molecular consequence: intron variant.
Genome position (GRCh38, 1-based): chr17:76,101,868, G>A on the plus strand (C>T on the coding strand, the complement: EXOC7 is on the minus strand). VCF-style: chr17-76101868-G-A. GRCh37 (hg19) VCF-style: chr17-74097949-G-A.
Other names: c.127-5C>T (NM_015219.5, NM_001375975.1, NM_001145298.4 and 5 more transcripts); c.4-5C>T (NM_001282313.2).
Identifiers: ClinVar variation 3510971 (VCV003510971.1).

ClinVar aggregate classification (germline): Uncertain significance (1 of 4 stars; one submission).

Conditions:
Inborn genetic diseases. Identifiers: MedGen C0950123, MeSH D030342.

gnomAD v4.1: 17 of 1,607,228 alleles (0.0011%); highest among the groups gnomAD compares: South Asian, 0.0056%; no homozygotes.

Submission:

Ambry Genetics
Classification: Uncertain significance for Inborn genetic diseases. Last evaluated: 2024-09-16. Review status: criteria provided, single submitter. Criteria: Ambry Variant Classification Scheme 2023. Collection method: clinical testing. Allele origin: germline.
Comment: The c.127-5C>T intronic alteration consists of a C to T substitution 5 nucleotides before coding exon 3 in the EXOC7 gene. Based on insufficient or conflicting evidence, the clinical significance of this alteration remains unclear.